The following is an entry in ClinVar:

NM_001130009.3(GEN1):c.2332A>T (p.Ser778Cys)

Gene: GEN1 (GEN1 Holliday junction 5' flap endonuclease; plus strand). Cytogenetic location: 2p24.2.
Variant type: single nucleotide variant.
Coding change: c.2332A>T on transcript NM_001130009.3 (MANE Select); coding-DNA position 2332, A replaced by T.
Protein change: p.Ser778Cys; replaces serine 778 with cysteine.
Molecular consequence: missense variant.
Genome position (GRCh38, 1-based): chr2:17,781,544, A>T. VCF-style: chr2-17781544-A-T. GRCh37 (hg19) VCF-style: chr2-17962811-A-T.
Other names: c.2332A>T, p.Ser778Cys (NM_182625.5); short protein forms S778C.
Identifiers: ClinVar variation 3853603 (VCV003853603.1).
Genomic context (GRCh38, chr2:17,781,544, plus strand): 5'-GTCAGTAACACAGTGGTAAAGACCTGCAATGTTAGACCACCAAATACTGCTTTAGATCAT[A>T]GTAGAAAAGTTGATATGCAAACCACTCGGAAAATTTTAATGAAGAAGAGTGTTTGCCTTG-3'
Protein context (NP_001123481.3, residues 768-788): VRPPNTALDH[Ser778Cys]RKVDMQTTRK

ClinVar aggregate classification (germline): Uncertain significance (1 of 4 stars; one submission).

Submission:

Ambry Genetics
Classification: Uncertain significance. Last evaluated: 2025-02-28. Review status: criteria provided, single submitter. Criteria: Ambry Variant Classification Scheme 2023. Collection method: clinical testing. Allele origin: germline.
Comment: The p.S778C variant (also known as c.2332A>T), located in coding exon 13 of the GEN1 gene, results from an A to T substitution at nucleotide position 2332. The serine at codon 778 is replaced by cysteine, an amino acid with dissimilar properties. This amino acid position is conserved. In addition, this alteration is predicted to be tolerated by in silico analysis. Based on the available evidence, the clinical significance of this variant remains unclear.